The following is an entry in ClinVar:

ClinVar aggregate classification (germline): Uncertain significance (1 of 4 stars; one submission).

Allele frequency attached by ClinVar (database versions not stated): gnomAD exomes below 0.00001.
gnomAD v4.1: 3 of 1,612,768 alleles (0.00019%); highest among the groups gnomAD compares: Non-Finnish European, 0.00025%; no homozygotes.

Submission:

Labcorp Genetics (formerly Invitae), Labcorp
Classification: Uncertain significance. Last evaluated: 2025-07-27. Review status: criteria provided, single submitter. Criteria: Invitae Variant Classification Sherloc (09022015). Collection method: clinical testing. Allele origin: germline.
Comment: This sequence change falls in intron 30 of the DSCAML1 gene. It does not directly change the encoded amino acid sequence of the DSCAML1 protein. It affects a nucleotide within the consensus splice site. This variant is not present in population databases (gnomAD no frequency). This variant has not been reported in the literature in individuals affected with DSCAML1-related conditions. ClinVar contains an entry for this variant (Variation ID: 1996554). Variants that disrupt the consensus splice site are a relatively common cause of aberrant splicing (PMID: 17576681, 9536098). Algorithms developed to predict the effect of sequence changes on RNA splicing suggest that this variant may disrupt the consensus splice site. In summary, the available evidence is currently insufficient to determine the role of this variant in disease. Therefore, it has been classified as a Variant of Uncertain Significance.

Literature cited by the submitters: PubMed 17576681; PubMed 9536098.

NM_020693.4(DSCAML1):c.5179+3A>G

Gene: DSCAML1 (DS cell adhesion molecule like 1; minus strand). Cytogenetic location: 11q23.3.
Variant type: single nucleotide variant.
Coding change: c.5179+3A>G on transcript NM_020693.4 (MANE Select); 3 bases into the intron after coding-DNA position 5179, A replaced by G.
Molecular consequence: intron variant.
Genome position (GRCh38, 1-based): chr11:117,432,349, T>C on the plus strand (A>G on the coding strand, the complement: DSCAML1 is on the minus strand). VCF-style: chr11-117432349-T-C. GRCh37 (hg19) VCF-style: chr11-117303065-T-C.
Identifiers: ClinVar variation 1996554 (VCV001996554.4), dbSNP rs2542972291, ClinGen allele CA2574990987.